The following is an entry in ClinVar:

NM_001136046.3(ZMYND15):c.1650C>G (p.Pro550=)

Gene: ZMYND15 (zinc finger MYND-type containing 15; plus strand). Cytogenetic location: 17p13.2.
Variant type: single nucleotide variant.
Coding change: c.1650C>G on transcript NM_001136046.3 (MANE Select); coding-DNA position 1650, C replaced by G.
Protein change: p.Pro550=; no amino-acid change (proline 550 retained).
Molecular consequence: synonymous variant.
Genome position (GRCh38, 1-based): chr17:4,744,434, C>G. VCF-style: chr17-4744434-C-G. GRCh37 (hg19) VCF-style: chr17-4647729-C-G.
Other names: c.1650C>G, p.Pro550= (NM_001267822.1); c.1533C>G, p.Pro511= (NM_032265.2).
Identifiers: ClinVar variation 3046802 (VCV003046802.2), dbSNP rs751659829, ClinGen allele CA8309885.
Genomic context (GRCh38, chr17:4,744,434, plus strand): 5'-TTTGGTCCTGCTCCCCCATGTGGCCCTGGAGCTGCAGTTTGTAGGTGATGGCCTGCCCCC[C>G]GAAAGCGACGAGCAGCATTTTACCCTGCAGAGGGTGAGGGCTGAGGGGGCCCTGCTTTTC-3'
Protein context (NP_001129518.1, residues 540-560): ELQFVGDGLP[Pro550=]ESDEQHFTLQ

ClinVar aggregate classification (germline): Likely benign (0 of 4 stars; one submission).

Conditions:
ZMYND15-related disorder. Also called: ZMYND15-related condition.

Allele frequency attached by ClinVar (database versions not stated): ExAC 0.00001.
gnomAD v4.1: 5 of 1,613,980 alleles (0.00031%); highest among the groups gnomAD compares: African/African-American, 0.0027%; no homozygotes.

Submission:

PreventionGenetics, part of Exact Sciences
Classification: Likely benign for ZMYND15-related condition. Last evaluated: 2019-05-06. Review status: no assertion criteria provided. Collection method: clinical testing. Allele origin: germline.
Comment: This variant is classified as likely benign based on ACMG/AMP sequence variant interpretation guidelines (Richards et al. 2015 PMID: 25741868, with internal and published modifications).